The following is an entry in ClinVar:

ClinVar aggregate classification (germline): Conflicting classifications of pathogenicity. Review status: criteria provided, conflicting classifications (1 of 4 stars). 3 submissions from 3 submitters: Likely pathogenic (1); Uncertain significance (2). Last evaluated 2025-04-07.

Conditions:
Very long chain acyl-CoA dehydrogenase deficiency (ACADVLD). Also called: Very Long-Chain Acyl-Coenzyme A Dehydrogenase Deficiency; VLCAD Deficiency. Identifiers: Orphanet 26793, MedGen C3887523, MONDO:0008723, OMIM 201475.

Allele frequency attached by ClinVar (database versions not stated): gnomAD exomes below 0.00001; gnomAD 0.00001; TOPMed 0.00001; ESP Exome Variant Server 0.00008.
gnomAD v4.1: 4 of 1,613,770 alleles (0.00025%); highest among the groups gnomAD compares: African/African-American, 0.004%; no homozygotes.

Submissions (3):

Labcorp Genetics (formerly Invitae), Labcorp
Classification: Likely pathogenic for Very long chain acyl-CoA dehydrogenase deficiency. Last evaluated: 2025-04-07. Review status: criteria provided, single submitter. Criteria: Invitae Variant Classification Sherloc (09022015). Collection method: clinical testing. Allele origin: germline.
Comment: This sequence change replaces methionine, which is neutral and non-polar, with arginine, which is basic and polar, at codon 300 of the ACADVL protein (p.Met300Arg). This variant is not present in population databases (gnomAD no frequency). This variant has not been reported in the literature in individuals affected with ACADVL-related conditions. ClinVar contains an entry for this variant (Variation ID: 932759). Invitae Evidence Modeling of protein sequence and biophysical properties (such as structural, functional, and spatial information, amino acid conservation, physicochemical variation, residue mobility, and thermodynamic stability) indicates that this missense variant is expected to disrupt ACADVL protein function with a positive predictive value of 80%. This variant disrupts the p.Met300 amino acid residue in ACADVL. Other variant(s) that disrupt this residue have been observed in individuals with ACADVL-related conditions (PMID: 27209629, 28871440, 32558070), which suggests that this may be a clinically significant amino acid residue. In summary, the currently available evidence indicates that the variant is pathogenic, but additional data are needed to prove that conclusively. Therefore, this variant has been classified as Likely Pathogenic.

Revvity Omics, Revvity
Classification: Uncertain significance for Very long chain acyl-CoA dehydrogenase deficiency. Last evaluated: 2024-06-15. Review status: criteria provided, single submitter. Criteria: ACMG Guidelines, 2015. Collection method: clinical testing. Allele origin: germline.

Wong Mito Lab, Molecular and Human Genetics, Baylor College of Medicine
Classification: Uncertain significance for Very long chain acyl-CoA dehydrogenase deficiency. Last evaluated: 2019-11-01. Review status: criteria provided, single submitter. Criteria: ACMG Guidelines, 2015. Collection method: clinical testing. Allele origin: germline.
Comment: The NM_000018.3:c.899T>G (NP_000009.1:p.Met300Arg) [GRCH38: NC_000017.11:g.7222687T>G] variant in ACADVL gene is interpretated to be Uncertain Significance based on ACMG guidelines (PMID: 25741868). This variant has been reported. This variant meets the following evidence codes reported in the ACMG guidelines: PM1

Literature cited by the submitters: PubMed 27209629 (cited by Labcorp Genetics (formerly Invitae), Labcorp); PubMed 28871440 (cited by Labcorp Genetics (formerly Invitae), Labcorp); PubMed 32558070 (cited by Labcorp Genetics (formerly Invitae), Labcorp).

NM_000018.4(ACADVL):c.899T>G (p.Met300Arg)

Gene: ACADVL (acyl-CoA dehydrogenase very long chain; plus strand). Cytogenetic location: 17p13.1.
Variant type: single nucleotide variant.
Coding change: c.899T>G on transcript NM_000018.4 (MANE Select); coding-DNA position 899, T replaced by G.
Protein change: p.Met300Arg; replaces methionine 300 with arginine.
Molecular consequence: missense variant.
Genome position (GRCh38, 1-based): chr17:7,222,687, T>G. VCF-style: chr17-7222687-T-G. GRCh37 (hg19) VCF-style: chr17-7126006-T-G.
Other names: c.833T>G, p.Met278Arg (NM_001033859.3); c.968T>G, p.Met323Arg (NM_001270447.2); c.671T>G, p.Met224Arg (NM_001270448.2); short protein forms M278R, M224R, M300R, M323R.
Identifiers: ClinVar variation 932759 (VCV000932759.6), dbSNP rs142765230, ClinGen allele CA287437522.